The following is an entry in ClinVar:

NM_001365536.1(SCN9A):c.4082C>A (p.Ala1361Glu)

Genes: SCN9A (sodium voltage-gated channel alpha subunit 9; minus strand), SCN1A-AS1 (SCN1A and SCN9A antisense RNA 1; plus strand). Cytogenetic location: 2q24.3.
Variant type: single nucleotide variant.
Coding change: c.4082C>A on transcript NM_001365536.1 (MANE Select); coding-DNA position 4082, C replaced by A.
Protein change: p.Ala1361Glu; replaces alanine 1361 with glutamic acid.
Molecular consequence: missense variant.
Genome position (GRCh38, 1-based): chr2:166,228,815, G>T on the plus strand (C>A on the coding strand, the complement: SCN9A is on the minus strand). VCF-style: chr2-166228815-G-T. GRCh37 (hg19) VCF-style: chr2-167085325-G-T.
Other names: c.4049C>A, p.Ala1350Glu (NM_002977.4); short protein forms A1350E, A1361E.
Identifiers: ClinVar variation 1367774 (VCV001367774.6), dbSNP rs2106387601, ClinGen allele CA349063717.

ClinVar aggregate classification (germline): Uncertain significance (1 of 4 stars; one submission).

Conditions:
Generalized epilepsy with febrile seizures plus, type 7 (GEFSP7). Also called: GEFS+, TYPE 7. Identifiers: Orphanet 36387, MedGen C2751778, MONDO:0013470, OMIM 613863.
Neuropathy, hereditary sensory and autonomic, type 2A (HSAN2A). Also called: MORVAN DISEASE; ACROOSTEOLYSIS, GIACCAI TYPE; ACROOSTEOLYSIS, NEUROGENIC; NEUROPATHY, CONGENITAL SENSORY; NEUROPATHY, HEREDITARY SENSORY RADICULAR, AUTOSOMAL RECESSIVE; NEUROPATHY, HEREDITARY SENSORY, TYPE IIA. Identifiers: Orphanet 970, MedGen C2752089, MONDO:0024309, OMIM 201300.

gnomAD v4.1: 3 of 1,613,850 alleles (0.00019%); highest among the groups gnomAD compares: Non-Finnish European, 0.00025%; no homozygotes.

Submission:

Labcorp Genetics (formerly Invitae), Labcorp
Classification: Uncertain significance for Neuropathy, hereditary sensory and autonomic, type 2A; Generalized epilepsy with febrile seizures plus, type 7. Last evaluated: 2021-12-02. Review status: criteria provided, single submitter. Criteria: Invitae Variant Classification Sherloc (09022015). Collection method: clinical testing. Allele origin: germline.
Comment: This sequence change replaces alanine, which is neutral and non-polar, with glutamic acid, which is acidic and polar, at codon 1350 of the SCN9A protein (p.Ala1350Glu). This variant is not present in population databases (gnomAD no frequency). This variant has not been reported in the literature in individuals affected with SCN9A-related conditions. Algorithms developed to predict the effect of missense changes on protein structure and function output the following: SIFT: "Tolerated"; PolyPhen-2: "Benign"; Align-GVGD: "Class C0". The glutamic acid amino acid residue is found in multiple mammalian species, which suggests that this missense change does not adversely affect protein function. In summary, the available evidence is currently insufficient to determine the role of this variant in disease. Therefore, it has been classified as a Variant of Uncertain Significance.